The following is an entry in ClinVar:

NM_152383.5(DIS3L2):c.1105A>C (p.Ser369Arg)

Gene: DIS3L2 (DIS3 like 3'-5' exoribonuclease 2; plus strand). Cytogenetic location: 2q37.1.
Variant type: single nucleotide variant.
Coding change: c.1105A>C on transcript NM_152383.5 (MANE Select); coding-DNA position 1105, A replaced by C.
Protein change: p.Ser369Arg; replaces serine 369 with arginine.
Molecular consequence: missense variant. On other transcripts: non-coding transcript variant (2).
Genome position (GRCh38, 1-based): chr2:232,163,613, A>C. VCF-style: chr2-232163613-A-C. GRCh37 (hg19) VCF-style: chr2-233028323-A-C.
Other names: c.1105A>C, p.Ser369Arg (NM_001257281.2); short protein forms S369R.
Identifiers: ClinVar variation 1034827 (VCV001034827.10), dbSNP rs1690720298, ClinGen allele CA351154488.
Genomic context (GRCh38, chr2:232,163,613, plus strand): 5'-TCAGAAGTTCTAGAATGTCTTCCTCAAGGCCTGCCATGGACAATTCCACCAGAGGAGTTC[A>C]GCAAGAGAAGGGATTTAAGGTAAGCACCTGAAACCCTTTAAGAACGTATATCTCCCTTTC-3'
Protein context (NP_689596.4, residues 359-379): LPWTIPPEEF[Ser369Arg]KRRDLRKDCI

ClinVar aggregate classification (germline): Uncertain significance (1 of 4 stars; one submission).

Conditions:
Perlman syndrome (PRLMNS). Identifiers: Orphanet 2849, MedGen C0796113, MONDO:0009965, OMIM 267000.

Allele frequency attached by ClinVar (database versions not stated): gnomAD exomes below 0.00001; gnomAD 0.00001.
gnomAD v4.1: 3 of 1,613,556 alleles (0.00019%); highest among the groups gnomAD compares: Admixed American, 0.0033%; no homozygotes.

Submission:

Labcorp Genetics (formerly Invitae), Labcorp
Classification: Uncertain significance for Perlman syndrome. Last evaluated: 2022-10-10. Review status: criteria provided, single submitter. Criteria: Invitae Variant Classification Sherloc (09022015). Collection method: clinical testing. Allele origin: germline.
Comment: In summary, the available evidence is currently insufficient to determine the role of this variant in disease. Therefore, it has been classified as a Variant of Uncertain Significance. Advanced modeling of protein sequence and biophysical properties (such as structural, functional, and spatial information, amino acid conservation, physicochemical variation, residue mobility, and thermodynamic stability) performed at Invitae indicates that this missense variant is not expected to disrupt DIS3L2 protein function. ClinVar contains an entry for this variant (Variation ID: 1034827). This variant has not been reported in the literature in individuals affected with DIS3L2-related conditions. This variant is not present in population databases (gnomAD no frequency). This sequence change replaces serine, which is neutral and polar, with arginine, which is basic and polar, at codon 369 of the DIS3L2 protein (p.Ser369Arg).